The following is an entry in ClinVar:

NM_001458.5(FLNC):c.1862A>G (p.Lys621Arg)

Gene: FLNC (filamin C; plus strand). Cytogenetic location: 7q32.1.
Variant type: single nucleotide variant.
Coding change: c.1862A>G on transcript NM_001458.5 (MANE Select); coding-DNA position 1862, A replaced by G.
Protein change: p.Lys621Arg; replaces lysine 621 with arginine.
Molecular consequence: missense variant.
Genome position (GRCh38, 1-based): chr7:128,841,218, A>G. VCF-style: chr7-128841218-A-G. GRCh37 (hg19) VCF-style: chr7-128481272-A-G.
Other names: c.1862A>G, p.Lys621Arg (NM_001127487.2); short protein forms K621R.
Identifiers: ClinVar variation 3758612 (VCV003758612.2).

ClinVar aggregate classification (germline): Uncertain significance (1 of 4 stars; one submission).

Conditions:
Distal myopathy with posterior leg and anterior hand involvement. Also called: WILLIAMS DISTAL MYOPATHY. Identifiers: Orphanet 63273, MedGen C3279722, MONDO:0013550, OMIM 614065.
Hypertrophic cardiomyopathy 26. Also called: Cardiomyopathy, familial hypertrophic, 26. Identifiers: Orphanet 75249, MedGen C4310749, MONDO:0014883, OMIM 617047.
Myofibrillar myopathy 5. Also called: Filaminopathy (type); FILAMINOPATHY, AUTOSOMAL DOMINANT. Identifiers: Orphanet 171445, MedGen C1836050, MONDO:0012289, OMIM 609524.

Submission:

Labcorp Genetics (formerly Invitae), Labcorp
Classification: Uncertain significance for Distal myopathy with posterior leg and anterior hand involvement; Myofibrillar myopathy 5; Hypertrophic cardiomyopathy 26. Last evaluated: 2024-09-11. Review status: criteria provided, single submitter. Criteria: Invitae Variant Classification Sherloc (09022015). Collection method: clinical testing. Allele origin: germline.
Comment: This sequence change replaces lysine, which is basic and polar, with arginine, which is basic and polar, at codon 621 of the FLNC protein (p.Lys621Arg). This variant is not present in population databases (gnomAD no frequency). This variant has not been reported in the literature in individuals affected with FLNC-related conditions. An algorithm developed to predict the effect of missense changes on protein structure and function outputs the following: PolyPhen-2: "Benign". The arginine amino acid residue is found in multiple mammalian species, which suggests that this missense change does not adversely affect protein function. In summary, the available evidence is currently insufficient to determine the role of this variant in disease. Therefore, it has been classified as a Variant of Uncertain Significance.